The following is an entry in ClinVar:

NM_001134363.3(RBM20):c.1850G>A (p.Arg617Lys)

Gene: RBM20 (RNA binding motif protein 20; plus strand). Cytogenetic location: 10q25.2.
Variant type: single nucleotide variant.
Coding change: c.1850G>A on transcript NM_001134363.3 (MANE Select); coding-DNA position 1850, G replaced by A.
Protein change: p.Arg617Lys; replaces arginine 617 with lysine.
Molecular consequence: missense variant.
Genome position (GRCh38, 1-based): chr10:110,810,432, G>A. VCF-style: chr10-110810432-G-A. GRCh37 (hg19) VCF-style: chr10-112570190-G-A.
Other names: c.1850G>A (NM_001134363.1); short protein forms R617K.
Identifiers: ClinVar variation 855822 (VCV000855822.12), dbSNP rs1844749902, ClinGen allele CA378369192.
Genomic context (GRCh38, chr10:110,810,432, plus strand): 5'-GACTTTGCTAGAAACCCGGGAAGGCCGTGGCTGCCATCATCCAGGACATCCATTCCCAGA[G>A]GGAGAGGGACATGTTCCGGGAAGCAGACAGGTGAGGCCCCAAGCCCCAAGTCTCCAGGCA-3'
Protein context (NP_001127835.2, residues 607-627): AAIIQDIHSQ[Arg617Lys]ERDMFREADR

ClinVar aggregate classification (germline): Uncertain significance. Review status: criteria provided, multiple submitters, no conflicts (2 of 4 stars). 3 submissions from 3 submitters: Uncertain significance (3). Last evaluated 2026-07-07.

Conditions:
Dilated cardiomyopathy 1DD (CMD1DD). Identifiers: Orphanet 154, MedGen C2750995, MONDO:0013168, OMIM 613172.
Cardiovascular phenotype. Identifiers: MedGen CN230736.

Allele frequency attached by ClinVar (database versions not stated): gnomAD exomes below 0.00001; TOPMed 0.00002.
gnomAD v4.1: 2 of 1,551,552 alleles (0.00013%); highest among the groups gnomAD compares: Admixed American, 0.0039%; no homozygotes.

Submissions (3):

Ambry Genetics
Classification: Uncertain significance for Cardiovascular phenotype. Last evaluated: 2026-07-07. Review status: criteria provided, single submitter. Criteria: Ambry Variant Classification Scheme 2023. Collection method: clinical testing. Allele origin: germline.
Comment: The p.R617K variant (also known as c.1850G>A), located in coding exon 8 of the RBM20 gene, results from a G to A substitution at nucleotide position 1850. The arginine at codon 617 is replaced by lysine, an amino acid with highly similar properties. This amino acid position is conserved. In addition, the in silico prediction for this alteration is inconclusive. Based on the available evidence, the clinical significance of this variant remains unclear.

GeneDx
Classification: Uncertain significance. Last evaluated: 2026-02-03. Review status: criteria provided, single submitter. Criteria: GeneDx Variant Classification Process June 2021. Collection method: clinical testing. Allele origin: germline.
Comment: Not observed at significant frequency in large population cohorts (gnomAD); In silico analysis suggests that this missense variant does not alter protein structure/function; Has not been previously published as pathogenic or benign to our knowledge

Labcorp Genetics (formerly Invitae), Labcorp
Classification: Uncertain significance for Dilated cardiomyopathy 1DD. Last evaluated: 2025-08-09. Review status: criteria provided, single submitter. Criteria: Invitae Variant Classification Sherloc (09022015). Collection method: clinical testing. Allele origin: germline.
Comment: This sequence change replaces arginine, which is basic and polar, with lysine, which is basic and polar, at codon 617 of the RBM20 protein (p.Arg617Lys). This variant is not present in population databases (gnomAD no frequency). This variant has not been reported in the literature in individuals affected with RBM20-related conditions. ClinVar contains an entry for this variant (Variation ID: 855822). Invitae Evidence Modeling of protein sequence and biophysical properties (such as structural, functional, and spatial information, amino acid conservation, physicochemical variation, residue mobility, and thermodynamic stability) has been performed for this missense variant. However, the output from this modeling did not meet the statistical confidence thresholds required to predict the impact of this variant on RBM20 protein function. In summary, the available evidence is currently insufficient to determine the role of this variant in disease. Therefore, it has been classified as a Variant of Uncertain Significance.